The following is an entry in ClinVar:

ClinVar aggregate classification (germline): Likely pathogenic (1 of 4 stars; one submission).

Conditions:
SCAPER-related disorder. Also called: SCAPER-related condition.

Submission:

PreventionGenetics, part of Exact Sciences
Classification: Likely pathogenic for SCAPER-related condition. Last evaluated: 2023-03-27. Review status: criteria provided, single submitter. Criteria: ACMG Guidelines, 2015. Collection method: clinical testing. Allele origin: germline.
Comment: The SCAPER c.3285dupC variant is predicted to result in a frameshift and premature protein termination (p.Ser1096Leufs*4). To our knowledge, this variant has not been reported in the literature or in a large population database, indicating this variant is rare. Frameshift variants in SCAPER are expected to be pathogenic. This variant is interpreted as likely pathogenic.

NM_020843.4(SCAPER):c.3267dup (p.Ser1090fs)

Genes: SCAPER (S-phase cyclin A associated protein in the ER; minus strand), LOC126862183 (BRD4-independent group 4 enhancer GRCh37_chr15:76726060-76727259; plus strand). Cytogenetic location: 15q24.3.
Variant type: Duplication.
Coding change: c.3267dup on transcript NM_020843.4 (MANE Select); coding-DNA position 3267, one base duplicated (C; older notation c.3267dupC).
Protein change: p.Ser1090fs; shifts the reading frame from serine 1090.
Molecular consequence: frameshift variant. On other transcripts: non-coding transcript variant (1).
Genome position (GRCh38, 1-based): chr15:76,434,122, G duplicated on the plus strand (C on the coding strand, the reverse complement: SCAPER is on the minus strand); the first of 3 consecutive G bases (chr15:76,434,122-76,434,124); duplicating any one gives the same sequence. VCF-style (leftmost placement, unchanged base first): chr15-76434121-A-AG. GRCh37 (hg19) VCF-style: chr15-76726462-A-AG.
Other names: c.2529dup, p.Ser844fs (NM_001145923.2); c.3285dup, p.Ser1096fs (NM_001353009.2); c.2865dup, p.Ser956fs (NM_001353010.2, NM_001353012.2); c.2883dup, p.Ser962fs (NM_001353011.2); short protein forms S1090fs, S1096fs, S844fs, S956fs, S962fs.
Identifiers: ClinVar variation 2633825 (VCV002633825.1), dbSNP rs2548144366, ClinGen allele CA2695197328.